The following is an entry in ClinVar:

ClinVar aggregate classification (germline): Uncertain significance. Review status: criteria provided, multiple submitters, no conflicts (2 of 4 stars). 2 submissions from 2 submitters: Uncertain significance (2). Last evaluated 2026-03-13.

Conditions:
CRYM-related disorder. Also called: CRYM-related condition.

gnomAD v4.1: 60 of 1,612,772 alleles (0.0037%); highest among the groups gnomAD compares: Non-Finnish European, 0.0047%; no homozygotes.

Submissions (2):

PreventionGenetics, part of Exact Sciences
Classification: Uncertain significance for CRYM-related condition. Last evaluated: 2026-03-13. Review status: criteria provided, single submitter. Criteria: ACMG Guidelines, 2015. Collection method: clinical testing. Allele origin: germline.
Comment: The CRYM c.323C>T variant is predicted to result in the amino acid substitution p.Ala108Val. To our knowledge, this variant has not been reported in the literature. This variant is reported in 0.0062% of alleles in individuals of African descent in gnomAD. At this time, the clinical significance of this variant is uncertain due to the absence of conclusive functional and genetic evidence.

Ambry Genetics
Classification: Uncertain significance. Last evaluated: 2024-08-21. Review status: criteria provided, single submitter. Criteria: Ambry Variant Classification Scheme 2023. Collection method: clinical testing. Allele origin: germline.

NM_001376256.1(CRYM):c.323C>T (p.Ala108Val)

Gene: CRYM (crystallin mu; minus strand). Cytogenetic location: 16p12.2.
Variant type: single nucleotide variant.
Coding change: c.323C>T on transcript NM_001376256.1 (MANE Select); coding-DNA position 323, C replaced by T.
Protein change: p.Ala108Val; replaces alanine 108 with valine.
Molecular consequence: missense variant.
Genome position (GRCh38, 1-based): chr16:21,277,432, G>A on the plus strand (C>T on the coding strand, the complement: CRYM is on the minus strand). VCF-style: chr16-21277432-G-A. GRCh37 (hg19) VCF-style: chr16-21288753-G-A.
Other names: c.323C>T (NM_001888.4); c.323C>T, p.Ala108Val (NM_001888.5); short protein forms A108V.
Identifiers: ClinVar variation 3497474 (VCV003497474.2).